The following is an entry in ClinVar:

NM_001127222.2(CACNA1A):c.6231C>A (p.Asp2077Glu)

Gene: CACNA1A (calcium voltage-gated channel subunit alpha1 A; minus strand). Cytogenetic location: 19p13.13.
Variant type: single nucleotide variant.
Coding change: c.6231C>A on transcript NM_001127222.2 (MANE Select); coding-DNA position 6231, C replaced by A.
Protein change: p.Asp2077Glu; replaces aspartic acid 2077 with glutamic acid.
Molecular consequence: missense variant.
Genome position (GRCh38, 1-based): chr19:13,212,175, G>T on the plus strand (C>A on the coding strand, the complement: CACNA1A is on the minus strand). VCF-style: chr19-13212175-G-T. GRCh37 (hg19) VCF-style: chr19-13322989-G-T.
Other names: c.6249C>A, p.Asp2083Glu (NM_000068.4, NM_023035.3); c.6234C>A, p.Asp2078Glu (NM_001127221.2); c.6240C>A, p.Asp2080Glu (NM_001174080.2); short protein forms D2078E, D2077E, D2080E, D2083E.
Identifiers: ClinVar variation 624123 (VCV000624123.61), dbSNP rs751515136, ClinGen allele CA9239424.

ClinVar aggregate classification (germline): Conflicting classifications of pathogenicity. Review status: criteria provided, conflicting classifications (1 of 4 stars). 6 submissions from 6 submitters: Uncertain significance (3); Likely benign (2). 1 of the submissions does not count toward it. Last evaluated 2026-06-01.

Conditions:
Episodic ataxia type 2 (EA2). Also called: CEREBELLAR ATAXIA, PAROXYSMAL, ACETAZOLAMIDE-RESPONSIVE; CEREBELLOPATHY, HEREDITARY PAROXYSMAL; EPISODIC ATAXIA, NYSTAGMUS-ASSOCIATED; ACETAZOLAMIDE-RESPONSIVE HEREDITARY PAROXYSMAL CEREBELLAR ATAXIA; ATAXIA, EPISODIC, WITH NYSTAGMUS; ATAXIA, FAMILIAL PAROXYSMAL. Identifiers: Orphanet 97, MedGen C1720416, MONDO:0007163, OMIM 108500.
Developmental and epileptic encephalopathy, 42 (DEE42A). Also called: Epileptic encephalopathy, early infantile, 42; DEVELOPMENTAL AND EPILEPTIC ENCEPHALOPATHY 42A; EPILEPTIC ENCEPHALOPATHY, EARLY INFANTILE, 42A. Identifiers: MedGen C4310716, MONDO:0014917, OMIM 617106.
Tip-toe gait. Also called: Toe walking. Identifiers: MedGen C0427144, HP:0030051.

Allele frequency attached by ClinVar (database versions not stated): gnomAD 0.00001; TOPMed 0.00002; ExAC 0.00003; gnomAD exomes 0.00003 and 0.00004.
gnomAD v4.1: 57 of 1,613,812 alleles (0.0035%); highest among the groups gnomAD compares: Admixed American, 0.0067%; no homozygotes.

Submissions (6):

CeGaT Center for Human Genetics Tuebingen
Classification: Likely benign. Last evaluated: 2026-06-01. Review status: criteria provided, single submitter. Criteria: CeGaT Center For Human Genetics Tuebingen Variant Classification Criteria Version 2. Collection method: clinical testing. Allele origin: germline. Affected: yes. Observed: 6 variant alleles.
Comment: CACNA1A: BS2

GeneDx
Classification: Uncertain significance. Last evaluated: 2025-08-01. Review status: criteria provided, single submitter. Criteria: GeneDx Variant Classification Process June 2021. Collection method: clinical testing. Allele origin: germline. Affected: yes.
Comment: In silico analysis supports that this missense variant has a deleterious effect on protein structure/function; Has not been previously published as pathogenic or benign to our knowledge; This variant is associated with the following publications: (PMID: 37091313)

Labcorp Genetics (formerly Invitae), Labcorp
Classification: Likely benign for Developmental and epileptic encephalopathy, 42; Episodic ataxia type 2. Last evaluated: 2025-04-10. Review status: criteria provided, single submitter. Criteria: Invitae Variant Classification Sherloc (09022015). Collection method: clinical testing. Allele origin: germline.

ARUP Laboratories, Molecular Genetics and Genomics, ARUP Laboratories
Classification: Uncertain significance. Last evaluated: 2024-10-14. Review status: criteria provided, single submitter. Criteria: ARUP Molecular Germline Variant Investigation Process 2024. Collection method: clinical testing. Allele origin: germline.

Laboratorio de Genetica e Diagnostico Molecular, Hospital Israelita Albert Einstein
Classification: Uncertain significance. Last evaluated: 2022-03-16. Review status: criteria provided, single submitter. Criteria: ACMG Guidelines, 2015. Collection method: clinical testing. Allele origin: germline. Affected: yes.
Comment: ACMG classification criteria: PM2

Practice for Gait Abnormalities, David Pomarino, Competency Network Toe Walking C/o Practice Pomarino
Classification: Uncertain significance for Tip-toe gait. Last evaluated: 2023-05-05. Review status: no assertion criteria provided. Collection method: clinical testing. Allele origin: germline. Affected: yes. Not counted in ClinVar's aggregate classification.
Comment: Hereditary motor sensory neuropathy (HMSN), also known as Charcot-Marie-Tooth Disease (CMT), is the most commonly inherited peripheral polyneuropathy. It constitutes a group of inherited, progressive, motor and sensory peripheral nerve disorders with properties of demyelination, axonal degeneration, or both. It is classified by clinical characteristics, modes of inheritance, electrophysiologic features, metabolic defects, and specific gene markers. Our patients all walk on tiptoe, so they show similar symptoms. When we genetically test them with our toe walking panel, we find that around 90 per cent of them have a genetic variant that explains their toe walking. These can be assigned, for example, to the area of myopathies (such as variants of the COL6A3 gene), the area of hereditary neuropathies (such as variants of the KMT2C gene) or the area of metabolic diseases (such as variants of the PYGM gene). In a smaller group of patients with almost identical symptoms, no abnormality is found in the genes of our panel, but spastic paraplegia can be detected. In another small group of our toe walkers, no abnormalities can be detected in the genes analysed in our toe walking panel, nor do they suffer from spastic paraplegia, as is also the case with healthy children. In contrast to these, however, they show a tiptoe gait. These patients suffer from infantile cerebral palsy, in which toe walking can also be observed.

Literature cited by the submitters: PubMed 37091313 (cited by Practice for Gait Abnormalities, David Pomarino, Competency Network Toe Walking C/o Practice Pomarino).